The following is an entry in ClinVar:

ClinVar aggregate classification (germline): Uncertain significance (1 of 4 stars; one submission).

Conditions:
Muscular dystrophy-dystroglycanopathy (congenital with brain and eye anomalies), type A2. Also called: MUSCULAR DYSTROPHY-DYSTROGLYCANOPATHY (CONGENITAL WITH BRAIN AND EYE ANOMALIES), TYPE A, 2; WALKER-WARBURG SYNDROME OR MUSCLE-EYE-BRAIN DISEASE, POMT2-RELATED. Identifiers: Orphanet 588, Orphanet 899, MedGen C3150411, MONDO:0013154, OMIM 613150.
Muscular dystrophy-dystroglycanopathy (congenital with impaired intellectual development), type B, 2. Also called: Muscular dystrophy-dystroglycanopathy (congenital with intellectual disability), type B2; MUSCULAR DYSTROPHY, CONGENITAL, POMT2-RELATED. Identifiers: MedGen C3150416, MONDO:0013160, OMIM 613156.
Autosomal recessive limb-girdle muscular dystrophy type 2N. Also called: Muscular dystrophy-dystroglycanopathy (limb-girdle), type C, 2; MUSCULAR DYSTROPHY-DYSTROGLYCANOPATHY, LIMB-GIRDLE, POMT2-RELATED. Identifiers: Orphanet 206559, MedGen C3150418, MONDO:0013162, OMIM 613158.

Allele frequency attached by ClinVar (database versions not stated): gnomAD exomes below 0.00001.
gnomAD v4.1: 2 of 1,609,440 alleles (0.00012%); highest among the groups gnomAD compares: East Asian, 0.0022%; no homozygotes.

Submission:

Labcorp Genetics (formerly Invitae), Labcorp
Classification: Uncertain significance for Muscular dystrophy-dystroglycanopathy (congenital with impaired intellectual development), type B, 2; Muscular dystrophy-dystroglycanopathy (congenital with brain and eye anomalies), type A2; Autosomal recessive limb-girdle muscular dystrophy type 2N. Last evaluated: 2024-08-05. Review status: criteria provided, single submitter. Criteria: Invitae Variant Classification Sherloc (09022015). Collection method: clinical testing. Allele origin: germline.
Comment: This sequence change replaces methionine, which is neutral and non-polar, with valine, which is neutral and non-polar, at codon 549 of the POMT2 protein (p.Met549Val). This variant is not present in population databases (gnomAD no frequency). This variant has not been reported in the literature in individuals affected with POMT2-related conditions. ClinVar contains an entry for this variant (Variation ID: 471390). Advanced modeling of protein sequence and biophysical properties (such as structural, functional, and spatial information, amino acid conservation, physicochemical variation, residue mobility, and thermodynamic stability) has been performed at Invitae for this missense variant, however the output from this modeling did not meet the statistical confidence thresholds required to predict the impact of this variant on POMT2 protein function. In summary, the available evidence is currently insufficient to determine the role of this variant in disease. Therefore, it has been classified as a Variant of Uncertain Significance.

NM_013382.7(POMT2):c.1645A>G (p.Met549Val)

Gene: POMT2 (protein O-mannosyltransferase 2; minus strand). Cytogenetic location: 14q24.3.
Variant type: single nucleotide variant.
Coding change: c.1645A>G on transcript NM_013382.7 (MANE Select); coding-DNA position 1645, A replaced by G.
Protein change: p.Met549Val; replaces methionine 549 with valine.
Molecular consequence: missense variant.
Genome position (GRCh38, 1-based): chr14:77,283,805, T>C on the plus strand (A>G on the coding strand, the complement: POMT2 is on the minus strand). VCF-style: chr14-77283805-T-C. GRCh37 (hg19) VCF-style: chr14-77750148-T-C.
Other names: short protein forms M549V.
Identifiers: ClinVar variation 471390 (VCV000471390.9), dbSNP rs1555352401, ClinGen allele CA390516151.